The following is an entry in ClinVar:

ClinVar aggregate classification (germline): Uncertain significance. Review status: criteria provided, multiple submitters, no conflicts (2 of 4 stars). 2 submissions from 2 submitters: Uncertain significance (2). Last evaluated 2026-02-19.

Conditions:
Charcot-Marie-Tooth disease dominant intermediate F. Identifiers: Orphanet 352670, MedGen C4749463, MONDO:0014074, OMIM 615185.
GNB4-related disorder. Also called: GNB4-related condition.

Allele frequency attached by ClinVar (database versions not stated): gnomAD 0.00001 and 0.00002; gnomAD exomes 0.00003 and 0.00010; TOPMed 0.00003; ESP Exome Variant Server 0.00008; ExAC 0.00018.
gnomAD v4.1: 42 of 1,614,044 alleles (0.0026%); highest among the groups gnomAD compares: Non-Finnish European, 0.0034%; no homozygotes.

Submissions (2):

PreventionGenetics, part of Exact Sciences
Classification: Uncertain significance for GNB4-related condition. Last evaluated: 2026-02-19. Review status: criteria provided, single submitter. Criteria: ACMG Guidelines, 2015. Collection method: clinical testing. Allele origin: germline.
Comment: The GNB4 c.797A>G variant is predicted to result in the amino acid substitution p.His266Arg. To our knowledge, this variant has not been reported in the literature. This variant is reported in 0.021% of alleles in individuals of European (Non-Finnish) descent in gnomAD. At this time, the clinical significance of this variant is uncertain due to the absence of conclusive functional and genetic evidence.

Labcorp Genetics (formerly Invitae), Labcorp
Classification: Uncertain significance for Charcot-Marie-Tooth disease dominant intermediate F. Last evaluated: 2022-11-08. Review status: criteria provided, single submitter. Criteria: Invitae Variant Classification Sherloc (09022015). Collection method: clinical testing. Allele origin: germline.
Comment: In summary, the available evidence is currently insufficient to determine the role of this variant in disease. Therefore, it has been classified as a Variant of Uncertain Significance. Advanced modeling of protein sequence and biophysical properties (such as structural, functional, and spatial information, amino acid conservation, physicochemical variation, residue mobility, and thermodynamic stability) performed at Invitae indicates that this missense variant is not expected to disrupt GNB4 protein function. ClinVar contains an entry for this variant (Variation ID: 1499526). This variant has not been reported in the literature in individuals affected with GNB4-related conditions. This variant is present in population databases (rs375559586, gnomAD 0.02%). This sequence change replaces histidine, which is basic and polar, with arginine, which is basic and polar, at codon 266 of the GNB4 protein (p.His266Arg).

NM_021629.4(GNB4):c.797A>G (p.His266Arg)

Gene: GNB4 (G protein subunit beta 4; minus strand). Cytogenetic location: 3q26.33.
Variant type: single nucleotide variant.
Coding change: c.797A>G on transcript NM_021629.4 (MANE Select); coding-DNA position 797, A replaced by G.
Protein change: p.His266Arg; replaces histidine 266 with arginine.
Molecular consequence: missense variant.
Genome position (GRCh38, 1-based): chr3:179,405,309, T>C on the plus strand (A>G on the coding strand, the complement: GNB4 is on the minus strand). VCF-style: chr3-179405309-T-C. GRCh37 (hg19) VCF-style: chr3-179123097-T-C.
Other names: c.797A>G (NM_021629.3); short protein forms H266R.
Identifiers: ClinVar variation 1499526 (VCV001499526.7), dbSNP rs375559586, ClinGen allele CA2712408.